The following is an entry in ClinVar:

NM_017534.6(MYH2):c.5090C>T (p.Thr1697Ile)

Genes: MYH2 (myosin heavy chain 2; minus strand), MYHAS (myosin heavy chain gene cluster antisense RNA; plus strand), LOC126862500 (BRD4-independent group 4 enhancer GRCh37_chr17:10427829-10429028; plus strand). Cytogenetic location: 17p13.1.
Variant type: single nucleotide variant.
Coding change: c.5090C>T on transcript NM_017534.6 (MANE Select); coding-DNA position 5090, C replaced by T.
Protein change: p.Thr1697Ile; replaces threonine 1697 with isoleucine.
Molecular consequence: missense variant.
Genome position (GRCh38, 1-based): chr17:10,524,551, G>A on the plus strand (C>T on the coding strand, the complement: MYH2 is on the minus strand). VCF-style: chr17-10524551-G-A. GRCh37 (hg19) VCF-style: chr17-10427868-G-A.
Other names: c.5090C>T, p.Thr1697Ile (NM_001100112.2); short protein forms T1697I.
Identifiers: ClinVar variation 429835 (VCV000429835.2), dbSNP rs1131691624, ClinGen allele CA398119315.

ClinVar aggregate classification (germline): Uncertain significance (1 of 4 stars; one submission).

Allele frequency attached by ClinVar (database versions not stated): gnomAD exomes below 0.00001.

Submission:

GeneDx
Classification: Uncertain significance. Last evaluated: 2018-08-22. Review status: criteria provided, single submitter. Criteria: GeneDx Variant Classification (06012015). Collection method: clinical testing. Allele origin: germline. Affected: yes.
Comment: The T1697I variant in the MYH2 gene has not been reported previously as a pathogenic variant, nor as a benign variant, to our knowledge. The T1697I variant is not observed in large population cohorts (Lek et al., 2016; 1000 Genomes Consortium et al., 2015; Exome Variant Server). The T1697I variant is a non-conservative amino acid substitution, which is likely to impact secondary protein structure as these residues differ in polarity, charge, size and/or other properties. This substitution occurs at a position that is conserved in mammals. In silico analysis is inconsistent in its predictions as to whether or not the variant is damaging to the protein structure/function. We interpret T1697I as a variant of uncertain significance.